The following is an entry in ClinVar:

ClinVar aggregate classification (germline): Conflicting classifications of pathogenicity. Review status: criteria provided, conflicting classifications (1 of 4 stars). 4 submissions from 4 submitters: Uncertain significance (2); Likely benign (2). Last evaluated 2025-06-05.

Conditions:
Developmental and epileptic encephalopathy, 27 (DEE27). Also called: GRIN2B-Related Neurodevelopmental Disorder; Epileptic encephalopathy, early infantile, 27. Identifiers: Orphanet 3451, MedGen C4015316, MONDO:0014505, OMIM 616139.
Intellectual developmental disorder, autosomal dominant 6, with or without seizures. Also called: Intellectual disability, autosomal dominant 6; GRIN2B-related developmental delay, intellectual disability and autism spectrum disorder. Identifiers: Orphanet 589547, MedGen C3151411, MONDO:0013509, OMIM 613970.
Inborn genetic diseases. Identifiers: MedGen C0950123, MeSH D030342.

Allele frequency attached by ClinVar (database versions not stated): ExAC 0.00001; TOPMed 0.00001; gnomAD exomes below 0.00001 and 0.00001; gnomAD 0.00001.
gnomAD v4.1: 11 of 1,614,056 alleles (0.00068%); highest among the groups gnomAD compares: Non-Finnish European, 0.00085%; no homozygotes.

Submissions (4):

Mayo Clinic Laboratories, Mayo Clinic
Classification: Likely benign. Last evaluated: 2025-06-05. Review status: criteria provided, single submitter. Criteria: ACMG Guidelines, 2015. Collection method: clinical testing. Allele origin: germline. Observed: 1 variant allele.
Comment: BS2, BP4_moderate

Women's Health and Genetics/Laboratory Corporation of America, LabCorp
Classification: Uncertain significance. Last evaluated: 2025-01-22. Review status: criteria provided, single submitter. Criteria: LabCorp Variant Classification Summary - May 2015. Collection method: clinical testing. Allele origin: germline.
Comment: Variant summary: GRIN2B c.4108G>A (p.Gly1370Arg) results in a non-conservative amino acid change located in the N-methyl D-aspartate receptor 2B3 C-terminal domain (IPR018884) of the encoded protein sequence. Three of five in-silico tools predict a benign effect of the variant on protein function. The variant allele was found at a frequency of 4e-06 in 251432 control chromosomes. The available data on variant occurrences in the general population are insufficient to allow any conclusion about variant significance. To our knowledge, no occurrence of c.4108G>A in individuals affected with Mental Retardation, Autosomal Dominant 6 and no experimental evidence demonstrating its impact on protein function have been reported. ClinVar contains an entry for this variant (Variation ID: 1010999). Based on the evidence outlined above, the variant was classified as uncertain significance.

Labcorp Genetics (formerly Invitae), Labcorp
Classification: Likely benign for Developmental and epileptic encephalopathy, 27; Intellectual developmental disorder, autosomal dominant 6, with or without seizures. Last evaluated: 2024-10-24. Review status: criteria provided, single submitter. Criteria: Invitae Variant Classification Sherloc (09022015). Collection method: clinical testing. Allele origin: germline.

Ambry Genetics
Classification: Uncertain significance for Inborn genetic diseases. Last evaluated: 2024-03-11. Review status: criteria provided, single submitter. Criteria: Ambry Variant Classification Scheme 2023. Collection method: clinical testing. Allele origin: germline.

NM_000834.5(GRIN2B):c.4108G>A (p.Gly1370Arg)

Gene: GRIN2B (glutamate ionotropic receptor NMDA type subunit 2B; minus strand). Cytogenetic location: 12p13.1.
Variant type: single nucleotide variant.
Coding change: c.4108G>A on transcript NM_000834.5 (MANE Select); coding-DNA position 4108, G replaced by A.
Protein change: p.Gly1370Arg; replaces glycine 1370 with arginine.
Molecular consequence: missense variant.
Genome position (GRCh38, 1-based): chr12:13,563,130, C>T on the plus strand (G>A on the coding strand, the complement: GRIN2B is on the minus strand). VCF-style: chr12-13563130-C-T. GRCh37 (hg19) VCF-style: chr12-13716064-C-T.
Other names: p.Gly1370Arg; c.4108G>A (NM_000834.4, NM_000834.3); short protein forms G1370R.
Identifiers: ClinVar variation 1010999 (VCV001010999.13), dbSNP rs754738111, ClinGen allele CA6460783.